The following is an entry in ClinVar:

ClinVar aggregate classification (germline): Benign/Likely benign. Review status: criteria provided, multiple submitters, no conflicts (2 of 4 stars). 5 submissions from 5 submitters: Benign (3); Likely benign (1). 1 of the submissions does not count toward it. Last evaluated 2026-01-06.

Conditions:
Hereditary sensory neuropathy-deafness-dementia syndrome. Also called: NEUROPATHY, HEREDITARY SENSORY, WITH HEARING LOSS AND DEMENTIA; Hereditary Sensory and Autonomic Neuropathy Type 1E (HSAN1E); HSN IE; Hereditary sensory neuropathy type IE. Identifiers: Orphanet 456318, MedGen C3279885, MONDO:0013584, OMIM 614116.
DNMT1-related disorder. Also called: DNMT1-related condition. Identifiers: MedGen CN381527.

Allele frequency attached by ClinVar (database versions not stated): gnomAD 0.00005 and 0.00009; gnomAD exomes 0.00005 and 0.00025; TOPMed 0.00010; ExAC 0.00029; 1000 Genomes Project 30x 0.00031; 1000 Genomes Project 0.00040.
gnomAD v4.1: 93 of 1,614,044 alleles (0.0058%); highest among the groups gnomAD compares: East Asian, 0.2%; 1 homozygote.

Submissions (5):

Labcorp Genetics (formerly Invitae), Labcorp
Classification: Benign for Hereditary sensory neuropathy-deafness-dementia syndrome. Last evaluated: 2026-01-06. Review status: criteria provided, single submitter. Criteria: Invitae Variant Classification Sherloc (09022015). Collection method: clinical testing. Allele origin: germline.

Blueprint Genetics
Classification: Likely benign. Last evaluated: 2023-01-19. Review status: criteria provided, single submitter. Criteria: ACMG Guidelines, 2015. Collection method: clinical testing. Allele origin: germline.

GeneDx
Classification: Benign. Last evaluated: 2019-05-20. Review status: criteria provided, single submitter. Criteria: GeneDx Variant Classification Process June 2021. Collection method: clinical testing. Allele origin: germline. Affected: yes.

Illumina Laboratory Services, Illumina
Classification: Benign for Hereditary sensory neuropathy-deafness-dementia syndrome. Last evaluated: 2018-01-13. Review status: criteria provided, single submitter. Criteria: ICSL Variant Classification Criteria 13 December 2019. Collection method: clinical testing. Allele origin: germline.
Comment: This variant was observed in the ICSL laboratory as part of a predisposition screen in an ostensibly healthy population. It had not been previously curated by ICSL or reported in the Human Gene Mutation Database (HGMD: prior to June 1st, 2018), and was therefore a candidate for classification through an automated scoring system. Utilizing variant allele frequency, disease prevalence and penetrance estimates, and inheritance mode, an automated score was calculated to assess if this variant is too frequent to cause the disease. Based on the score and internal cut-off values, a variant classified as benign is not then subjected to further curation. The score for this variant resulted in a classification of benign for this disease.

PreventionGenetics, part of Exact Sciences
Classification: Likely benign for DNMT1-related condition. Last evaluated: 2019-06-19. Review status: no assertion criteria provided. Collection method: clinical testing. Allele origin: germline. Not counted in ClinVar's aggregate classification.
Comment: This variant is classified as likely benign based on ACMG/AMP sequence variant interpretation guidelines (Richards et al. 2015 PMID: 25741868, with internal and published modifications).

NM_001130823.3(DNMT1):c.3351C>T (p.Asn1117=)

Gene: DNMT1 (DNA methyltransferase 1; minus strand). Cytogenetic location: 19p13.2.
Variant type: single nucleotide variant.
Coding change: c.3351C>T on transcript NM_001130823.3 (MANE Select); coding-DNA position 3351, C replaced by T.
Protein change: p.Asn1117=; no amino-acid change (asparagine 1117 retained).
Molecular consequence: synonymous variant.
Genome position (GRCh38, 1-based): chr19:10,141,148, G>A on the plus strand (C>T on the coding strand, the complement: DNMT1 is on the minus strand). VCF-style: chr19-10141148-G-A. GRCh37 (hg19) VCF-style: chr19-10251824-G-A.
Other names: c.3351C>T (LRG_362t1, NM_001130823.2); c.3303C>T, p.Asn1101= (NM_001318730.2, NM_001379.4); c.2988C>T, p.Asn996= (NM_001318731.2).
Identifiers: ClinVar variation 327896 (VCV000327896.20), dbSNP rs534263445, ClinGen allele CA9187776.
Genomic context (GRCh38, chr19:10,141,148, plus strand): 5'-CTCATACAATGACGTACCTTTTCCCTTGCCCTTCCCTTTGTTTCCAGGGCTACGGGCATG[G>A]TTGGGAGGATCTTCAAAGCTTTTGCTCTTTGCATTATAGGCCTGAAAAGGAGAGAACTGC-3'
Protein context (NP_001124295.1, residues 1107-1127): AKSKSFEDPP[Asn1117=]HARSPGNKGK